The following is an entry in ClinVar:

NM_001080453.3(INTS1):c.436G>C (p.Val146Leu)

Gene: INTS1 (integrator complex subunit 1; minus strand). Cytogenetic location: 7p22.3.
Variant type: single nucleotide variant.
Coding change: c.436G>C on transcript NM_001080453.3 (MANE Select); coding-DNA position 436, G replaced by C.
Protein change: p.Val146Leu; replaces valine 146 with leucine.
Molecular consequence: missense variant.
Genome position (GRCh38, 1-based): chr7:1,500,280, C>G on the plus strand (G>C on the coding strand, the complement: INTS1 is on the minus strand). VCF-style: chr7-1500280-C-G. GRCh37 (hg19) VCF-style: chr7-1539916-C-G.
Other names: short protein forms V146L.
Identifiers: ClinVar variation 3032064 (VCV003032064.3), dbSNP rs182741272, ClinGen allele CA4120782.

ClinVar aggregate classification (germline): Uncertain significance. Review status: criteria provided, single submitter (1 of 4 stars). 2 submissions from 2 submitters: Uncertain significance (1). 1 of the submissions does not count toward it. Last evaluated 2024-09-17.

Conditions:
INTS1-related disorder. Also called: INTS1-related condition.

Allele frequency attached by ClinVar (database versions not stated): 1000 Genomes Project 30x 0.00047; 1000 Genomes Project 0.00060.
gnomAD v4.1: 61 of 1,596,498 alleles (0.0038%); highest among the groups gnomAD compares: East Asian, 0.13%; no homozygotes.

Submissions (2):

Blueprint Genetics
Classification: Uncertain significance. Last evaluated: 2024-09-17. Review status: criteria provided, single submitter. Criteria: ACMG Guidelines, 2015. Collection method: clinical testing. Allele origin: germline.

PreventionGenetics, part of Exact Sciences
Classification: Likely benign for INTS1-related condition. Last evaluated: 2023-06-08. Review status: no assertion criteria provided. Collection method: clinical testing. Allele origin: germline. Not counted in ClinVar's aggregate classification.
Comment: This variant is classified as likely benign based on ACMG/AMP sequence variant interpretation guidelines (Richards et al. 2015 PMID: 25741868, with internal and published modifications).